The following is an entry in ClinVar:

ClinVar aggregate classification (germline): Uncertain significance (1 of 4 stars; one submission).

Submission:

Labcorp Genetics (formerly Invitae), Labcorp
Classification: Uncertain significance. Last evaluated: 2022-01-12. Review status: criteria provided, single submitter. Criteria: Invitae Variant Classification Sherloc (09022015). Collection method: clinical testing. Allele origin: germline.
Comment: In summary, the available evidence is currently insufficient to determine the role of this variant in disease. Therefore, it has been classified as a Variant of Uncertain Significance. Algorithms developed to predict the effect of missense changes on protein structure and function (SIFT, PolyPhen-2, Align-GVGD) all suggest that this variant is likely to be tolerated. This variant has not been reported in the literature in individuals affected with SRP54-related conditions. This variant is not present in population databases (gnomAD no frequency). This sequence change replaces glutamic acid, which is acidic and polar, with aspartic acid, which is acidic and polar, at codon 419 of the SRP54 protein (p.Glu419Asp).

NM_003136.4(SRP54):c.1257A>T (p.Glu419Asp)

Gene: SRP54 (signal recognition particle 54; plus strand). Cytogenetic location: 14q13.2.
Variant type: single nucleotide variant.
Coding change: c.1257A>T on transcript NM_003136.4 (MANE Select); coding-DNA position 1257, A replaced by T.
Protein change: p.Glu419Asp; replaces glutamic acid 419 with aspartic acid.
Molecular consequence: missense variant.
Genome position (GRCh38, 1-based): chr14:35,023,010, A>T. VCF-style: chr14-35023010-A-T. GRCh37 (hg19) VCF-style: chr14-35492216-A-T.
Other names: c.1110A>T, p.Glu370Asp (NM_001146282.2); short protein forms E370D, E419D.
Identifiers: ClinVar variation 2033000 (VCV002033000.4), dbSNP rs2502789578, ClinGen allele CA389448608.